The following is an entry in ClinVar:

NM_022464.5(SIL1):c.723C>T (p.Leu241=)

Gene: SIL1 (SIL1 nucleotide exchange factor; minus strand). Cytogenetic location: 5q31.2.
Variant type: single nucleotide variant.
Coding change: c.723C>T on transcript NM_022464.5 (MANE Select); coding-DNA position 723, C replaced by T.
Protein change: p.Leu241=; no amino-acid change (leucine 241 retained).
Molecular consequence: synonymous variant.
Genome position (GRCh38, 1-based): chr5:139,021,215, G>A on the plus strand (C>T on the coding strand, the complement: SIL1 is on the minus strand). VCF-style: chr5-139021215-G-A. GRCh37 (hg19) VCF-style: chr5-138356904-G-A.
Other names: c.723C>T, p.Leu241= (NM_001037633.2).
Identifiers: ClinVar variation 4534998 (VCV004534998.6).
Genomic context (GRCh38, chr5:139,021,215, plus strand): 5'-CCATTATACTGCTCACCTGGAAAAGGCAGCGCCCAGCACAAACGCAGCATACTCCTTCAC[G>A]AGGGGCTCTGTGCTGTTCAGCCCATTGATCACCACTTGAAGACCACCAAAGGAAAGCAGG-3'
Protein context (NP_071909.1, residues 231-251): VINGLNSTEP[Leu241=]VKEYAAFVLG

ClinVar aggregate classification (germline): Likely benign (1 of 4 stars; one submission).

gnomAD v4.1: 18 of 1,614,126 alleles (0.0011%); highest among the groups gnomAD compares: East Asian, 0.0045%; no homozygotes.

Submission:

CeGaT Center for Human Genetics Tuebingen
Classification: Likely benign. Last evaluated: 2025-10-01. Review status: criteria provided, single submitter. Criteria: CeGaT Center For Human Genetics Tuebingen Variant Classification Criteria Version 2. Collection method: clinical testing. Allele origin: germline. Affected: yes. Observed: 1 variant allele.
Comment: SIL1: BP4, BP7